The following is an entry in ClinVar:

ClinVar aggregate classification (germline): Pathogenic (1 of 4 stars; one submission).

Conditions:
Hereditary cancer-predisposing syndrome. Also called: Hereditary Cancer Syndrome; Neoplastic Syndromes, Hereditary; Tumor predisposition; Hereditary neoplastic syndrome. Identifiers: Orphanet 140162, MedGen C0027672, MeSH D009386, MONDO:0015356.

Submission:

Ambry Genetics
Classification: Pathogenic for Hereditary cancer-predisposing syndrome. Last evaluated: 2020-11-05. Review status: criteria provided, single submitter. Criteria: Ambry Variant Classification Scheme 2023. Collection method: clinical testing. Allele origin: germline.
Comment: The p.W164* pathogenic mutation (also known as c.491G>A), located in coding exon 4 of the RAD50 gene, results from a G to A substitution at nucleotide position 491. This changes the amino acid from a tryptophan to a stop codon within coding exon 4. This alteration is expected to result in loss of function by premature protein truncation or nonsense-mediated mRNA decay. As such, this alteration is interpreted as a disease-causing mutation.

NM_005732.4(RAD50):c.491G>A (p.Trp164Ter)

Gene: RAD50 (RAD50 double strand break repair protein; plus strand). Cytogenetic location: 5q31.1.
Variant type: single nucleotide variant.
Coding change: c.491G>A on transcript NM_005732.4 (MANE Select); coding-DNA position 491, G replaced by A.
Protein change: p.Trp164Ter; replaces tryptophan 164 with a stop codon.
Molecular consequence: nonsense.
Genome position (GRCh38, 1-based): chr5:132,579,442, G>A. VCF-style: chr5-132579442-G-A. GRCh37 (hg19) VCF-style: chr5-131915134-G-A.
Other names: short protein forms W164*.
Identifiers: ClinVar variation 1744111 (VCV001744111.2), dbSNP rs2479616063, ClinGen allele CA360934596.
Genomic context (GRCh38, chr5:132,579,442, plus strand): 5'-TTGGGGTTTCCAAGGCTGTGCTAAATAATGTCATTTTCTGTCATCAAGAAGATTCTAATT[G>A]GCCTTTAAGTGAAGGAAAGGCTTTGAAGCAAAAGTTTGATGAGATTTTTTCAGCAACAAG-3'